The following is an entry in ClinVar:

ClinVar aggregate classification (germline): Uncertain significance (1 of 4 stars; one submission).

Submission:

Labcorp Genetics (formerly Invitae), Labcorp
Classification: Uncertain significance. Last evaluated: 2025-08-05. Review status: criteria provided, single submitter. Criteria: Invitae Variant Classification Sherloc (09022015). Collection method: clinical testing. Allele origin: germline.
Comment: This sequence change replaces glycine, which is neutral and non-polar, with cysteine, which is neutral and slightly polar, at codon 471 of the SLC41A1 protein (p.Gly471Cys). This variant is not present in population databases (gnomAD no frequency). This variant has not been reported in the literature in individuals affected with SLC41A1-related conditions. An algorithm developed to predict the effect of missense changes on protein structure and function (PolyPhen-2) suggests that this variant is likely to be disruptive. In summary, the available evidence is currently insufficient to determine the role of this variant in disease. Therefore, it has been classified as a Variant of Uncertain Significance.

NM_173854.6(SLC41A1):c.1411G>T (p.Gly471Cys)

Genes: SLC41A1 (solute carrier family 41 member 1; minus strand), LOC129932328 (ATAC-STARR-seq lymphoblastoid active region 2390; plus strand). Cytogenetic location: 1q32.1.
Variant type: single nucleotide variant.
Coding change: c.1411G>T on transcript NM_173854.6 (MANE Select); coding-DNA position 1411, G replaced by T.
Protein change: p.Gly471Cys; replaces glycine 471 with cysteine.
Molecular consequence: missense variant.
Genome position (GRCh38, 1-based): chr1:205,791,664, C>A on the plus strand (G>T on the coding strand, the complement: SLC41A1 is on the minus strand). VCF-style: chr1-205791664-C-A. GRCh37 (hg19) VCF-style: chr1-205760792-C-A.
Other names: short protein forms G471C.
Identifiers: ClinVar variation 4724537 (VCV004724537.1).
Genomic context (GRCh38, chr1:205,791,664, plus strand): 5'-TGCCAAGCAGGTCCCCCAGAGCAGTCAAGTATGGGATGGAGAAGTTGTCCGGGTCCAGGC[C>A]CCGGCCCCACATCCAGTGCACCATCCAGTCTGCGATGTACAGGAGAATCAGCACCTGGGG-3'
Protein context (NP_776253.3, residues 461-481): DWMVHWMWGR[Gly471Cys]LDPDNFSIPY